The following is an entry in ClinVar:

ClinVar aggregate classification (germline): Pathogenic. Review status: criteria provided, multiple submitters, no conflicts (2 of 4 stars). 7 submissions from 7 submitters: Pathogenic (6). 1 of the submissions does not count toward it. Last evaluated 2026-01-19.

Conditions:
MFRP-related disorder. Also called: MFRP-related condition; MFRP-related disorders.
Retinal dystrophy. Also called: Inherited retinal dystrophy. Identifiers: Orphanet 71862, MedGen C0854723, MeSH D058499, MONDO:0019118, HP:0000556.
Nanophthalmos 2 (NNO2). Also called: NANOPHTHALMIA 2; NANOPHTHALMOS, AUTOSOMAL RECESSIVE. Identifiers: Orphanet 35612, MedGen C1836006, MONDO:0012299, OMIM 609549.
Isolated microphthalmia 5. Also called: Posterior Microphthalmia with Retinitis Pigmentosa, Foveoschisis, and Optic Disc Drusen. Identifiers: Orphanet 251279, MedGen C1970236, MONDO:0012605, OMIM 611040.

Submissions (7):

Labcorp Genetics (formerly Invitae), Labcorp
Classification: Pathogenic for Isolated microphthalmia 5. Last evaluated: 2026-01-19. Review status: criteria provided, single submitter. Criteria: Invitae Variant Classification Sherloc (09022015). Collection method: clinical testing. Allele origin: germline.
Comment: This sequence change creates a premature translational stop signal (p.Asn167Glnfs*34) in the MFRP gene. It is expected to result in an absent or disrupted protein product. Loss-of-function variants in MFRP are known to be pathogenic (PMID: 12140190, 15976030, 20361016). The frequency data for this variant in the population databases is considered unreliable, as metrics indicate poor data quality at this position in the gnomAD database. This premature translational stop signal has been observed in individual(s) with autosomal recessive nanophthalmos and retinal dystrophy (PMID: 17167404, 23742260). In at least one individual the data is consistent with being in trans (on the opposite chromosome) from a pathogenic variant. It has also been observed to segregate with disease in related individuals. This variant is also known as c.498_499insC, P165fsX198. ClinVar contains an entry for this variant (Variation ID: 4478). For these reasons, this variant has been classified as Pathogenic.

Blueprint Genetics
Classification: Pathogenic for MFRP-related disorders. Last evaluated: 2024-11-13. Review status: criteria provided, single submitter. Criteria: ACMG Guidelines, 2015. Collection method: clinical testing. Allele origin: germline. Affected: yes. Observed: 5 variant alleles.

3billion
Classification: Pathogenic for Isolated microphthalmia 5. Last evaluated: 2023-11-02. Review status: criteria provided, single submitter. Criteria: ACMG Guidelines, 2015. Collection method: clinical testing. Allele origin: germline. Affected: yes.
Comment: The variant is observed at an extremely low frequency in the gnomAD v2.1.1 dataset (total allele frequency: 0.006%). Predicted Consequence/Location: Frameshift: predicted to result in a loss or disruption of normal protein function through nonsense-mediated decay (NMD) or protein truncation. Multiple pathogenic variants are reported downstream of the variant. The variant has been reported at least twice as pathogenic with clinical assertions and evidence for the classification (ClinVar ID: VCV000004478 /PMID: 17167404). Therefore, this variant is classified as Pathogenic according to the recommendation of ACMG/AMP guideline.

Institute of Human Genetics, Univ. Regensburg, Univ. Regensburg
Classification: Pathogenic for Retinal dystrophy. Last evaluated: 2023-01-01. Review status: criteria provided, single submitter. Criteria: ACMG Guidelines, 2015. Collection method: clinical testing. Allele origin: germline. Affected: yes.

GeneDx
Classification: Pathogenic. Last evaluated: 2020-04-09. Review status: criteria provided, single submitter. Criteria: GeneDx Variant Classification Process June 2021. Collection method: clinical testing. Allele origin: germline. Affected: yes.
Comment: Frameshift variant predicted to result in protein truncation or nonsense mediated decay in a gene for which loss-of-function is a known mechanism of disease; This variant is associated with the following publications: (PMID: 17167404, 23742260, 31992737, 31589614)

Juno Genomics, Hangzhou Juno Genomics, Inc
Classification: Pathogenic for Isolated microphthalmia 5; Nanophthalmos 2. Review status: criteria provided, single submitter. Criteria: ACMG Guidelines, 2015. Collection method: clinical testing. Allele origin: germline.
Comment: Absent from controls (or at extremely low frequency if recessive) in Genome Aggregation Database.;Null variant in a gene where loss of function (LOF) is a known mechanism of disease.;For recessive disorders, detected in trans with a pathogenic variant.

OMIM
Classification: Pathogenic for MICROPHTHALMIA, ISOLATED 5. Last evaluated: 2006-12-04. Review status: no assertion criteria provided. Collection method: literature only. Allele origin: germline. Not counted in ClinVar's aggregate classification.

Literature cited by the submitters: PubMed 12140190 (cited by Labcorp Genetics (formerly Invitae), Labcorp); PubMed 15976030 (cited by Labcorp Genetics (formerly Invitae), Labcorp); PubMed 20361016 (cited by Labcorp Genetics (formerly Invitae), Labcorp); PubMed 17167404 (cited by 3 submitters); PubMed 23742260 (cited by Labcorp Genetics (formerly Invitae), Labcorp).

NM_031433.4(MFRP):c.498dup (p.Asn167fs)

Genes: C1QTNF5 (C1q and TNF related 5; minus strand), MFRP (membrane frizzled-related protein; minus strand). Cytogenetic location: 11q23.3.
Variant type: Duplication.
Coding change: c.498dup on transcript NM_031433.4 (MANE Select); coding-DNA position 498, one base duplicated (C; older notation c.498dupC).
Protein change: p.Asn167fs; shifts the reading frame from asparagine 167.
Molecular consequence: frameshift variant. On other transcripts: 5 prime UTR variant (1).
Genome position (GRCh38, 1-based): chr11:119,345,563, G duplicated on the plus strand (C on the coding strand, the reverse complement: MFRP is on the minus strand); the first of 7 consecutive G bases (chr11:119,345,563-119,345,569); duplicating any one gives the same sequence. VCF-style (leftmost placement, unchanged base first): chr11-119345562-T-TG. GRCh37 (hg19) VCF-style: chr11-119216272-T-TG.
Other names: c.498dup (NM_031433.3); c.-2139dup (NM_015645.5); short protein forms N167fs.
Identifiers: ClinVar variation 4478 (VCV000004478.20), dbSNP rs587776596, ClinGen allele CA116880.
Genomic context (GRCh38, chr11:119,345,562, plus strand): 5'-CGATCTTGAGCTGTATTGCATGGTCTGTGGCCACCTGGATATGCCACACGCAGTGGGTGT[T>TG]GGGGGGGTAAGGGTCTGGGTAGTTAGGGCTGCTGAAGAAGCCCCTTGGGCCAGAGAGGAG-3'